The following is an entry in ClinVar:

ClinVar aggregate classification (germline): Likely benign (1 of 4 stars; one submission).

Allele frequency attached by ClinVar (database versions not stated): 1000 Genomes Project 30x 0.00344; 1000 Genomes Project 0.00379; TOPMed 0.00505; ESP Exome Variant Server 0.00593; gnomAD 0.00675.
gnomAD v4.1: 13,222 of 1,601,828 alleles (0.83%); highest among the groups gnomAD compares: Non-Finnish European, 0.89%; 93 homozygotes.

Submission:

CeGaT Center for Human Genetics Tuebingen
Classification: Likely benign. Last evaluated: 2023-02-01. Review status: criteria provided, single submitter. Criteria: CeGaT Center For Human Genetics Tuebingen Variant Classification Criteria Version 2. Collection method: clinical testing. Allele origin: germline. Affected: yes. Observed: 1 variant allele.
Comment: ZBTB48: BP4, BS2

NM_005341.4(ZBTB48):c.679G>A (p.Gly227Ser)

Gene: ZBTB48 (zinc finger and BTB domain containing 48; plus strand). Cytogenetic location: 1p36.31.
Variant type: single nucleotide variant.
Coding change: c.679G>A on transcript NM_005341.4 (MANE Select); coding-DNA position 679, G replaced by A.
Protein change: p.Gly227Ser; replaces glycine 227 with serine.
Molecular consequence: missense variant.
Genome position (GRCh38, 1-based): chr1:6,581,288, G>A. VCF-style: chr1-6581288-G-A. GRCh37 (hg19) VCF-style: chr1-6641348-G-A.
Other names: c.679G>A, p.Gly227Ser (NM_001278647.2, NM_001278648.2); short protein forms G227S.
Identifiers: ClinVar variation 2638126 (VCV002638126.24), dbSNP rs72634778, ClinGen allele CA563558.
Genomic context (GRCh38, chr1:6,581,288, plus strand): 5'-CCCGAGGACTGCAAAGTGCCCCCAAGGCCCTTAGAGGCTGAAGGTGCCCAGCTGCAGGGC[G>A]GCAGTAATGAGGTACTGTGCCCAGGGTGTTGGGACTGGGGAGACAAATAGAGGGAATAGA-3'
Protein context (NP_005332.1, residues 217-237): LEAEGAQLQG[Gly227Ser]SNEWEVVVQV